The following is an entry in ClinVar:

NM_000051.4(ATM):c.8099A>C (p.Lys2700Thr)

Genes: ATM (ATM serine/threonine kinase; plus strand), C11orf65 (chromosome 11 open reading frame 65; minus strand). Cytogenetic location: 11q22.3.
Variant type: single nucleotide variant.
Coding change: c.8099A>C on transcript NM_000051.4 (MANE Select); coding-DNA position 8099, A replaced by C.
Protein change: p.Lys2700Thr; replaces lysine 2700 with threonine.
Molecular consequence: missense variant. On other transcripts: intron variant (2).
Genome position (GRCh38, 1-based): chr11:108,335,057, A>C. VCF-style: chr11-108335057-A-C. GRCh37 (hg19) VCF-style: chr11-108205784-A-C.
Other names: c.8099A>C, p.Lys2700Thr (NM_001351834.2); c.641-25986T>G (NM_001330368.2); c.*38+163T>G (NM_001351110.2); short protein forms K2700T.
Identifiers: ClinVar variation 2568165 (VCV002568165.5), dbSNP rs1663729467, ClinGen allele CA382562097.

ClinVar aggregate classification (germline): Uncertain significance. Review status: criteria provided, multiple submitters, no conflicts (2 of 4 stars). 2 submissions from 2 submitters: Uncertain significance (2). Last evaluated 2024-11-04.

Conditions:
Ataxia-telangiectasia syndrome (AT). Also called: LOUIS-BAR SYNDROME; Cerebello-oculocutaneous telangiectasia; Immunodeficiency with ataxia telangiectasia; Ataxia-telangiectasia, complementation group E; Ataxia-telangiectasia, complementation group D; AT, COMPLEMENTATION GROUP C. Identifiers: Orphanet 100, MedGen C0004135, MONDO:0008840, OMIM 208900.
Hereditary cancer-predisposing syndrome. Also called: Hereditary Cancer Syndrome; Hereditary neoplastic syndrome; Neoplastic Syndromes, Hereditary; Tumor predisposition. Identifiers: Orphanet 140162, MedGen C0027672, MeSH D009386, MONDO:0015356.

Submissions (2):

Labcorp Genetics (formerly Invitae), Labcorp
Classification: Uncertain significance for Ataxia-telangiectasia syndrome. Last evaluated: 2024-11-04. Review status: criteria provided, single submitter. Criteria: Invitae Variant Classification Sherloc (09022015). Collection method: clinical testing. Allele origin: germline.
Comment: This sequence change replaces lysine, which is basic and polar, with threonine, which is neutral and polar, at codon 2700 of the ATM protein (p.Lys2700Thr). This variant is not present in population databases (gnomAD no frequency). This variant has not been reported in the literature in individuals affected with ATM-related conditions. ClinVar contains an entry for this variant (Variation ID: 2568165). Invitae Evidence Modeling of protein sequence and biophysical properties (such as structural, functional, and spatial information, amino acid conservation, physicochemical variation, residue mobility, and thermodynamic stability) indicates that this missense variant is expected to disrupt ATM protein function with a positive predictive value of 95%. In summary, the available evidence is currently insufficient to determine the role of this variant in disease. Therefore, it has been classified as a Variant of Uncertain Significance.

Ambry Genetics
Classification: Uncertain significance for Hereditary cancer-predisposing syndrome. Last evaluated: 2023-03-19. Review status: criteria provided, single submitter. Criteria: Ambry Variant Classification Scheme 2023. Collection method: clinical testing. Allele origin: germline.
Comment: The p.K2700T variant (also known as c.8099A>C), located in coding exon 54 of the ATM gene, results from an A to C substitution at nucleotide position 8099. The lysine at codon 2700 is replaced by threonine, an amino acid with similar properties. This amino acid position is conserved. In addition, this alteration is predicted to be deleterious by in silico analysis. Since supporting evidence is limited at this time, the clinical significance of this alteration remains unclear.